The following is an entry in ClinVar:

ClinVar aggregate classification (germline): Uncertain significance (1 of 4 stars; one submission).

Conditions:
Neuroblastoma, susceptibility to, 3. Also called: ALK-Related Neuroblastic Tumor Susceptibility. Identifiers: Orphanet 635, MedGen C2751681, MONDO:0013083, OMIM 613014.

Allele frequency attached by ClinVar (database versions not stated): gnomAD exomes below 0.00001.
gnomAD v4.1: 2 of 1,564,542 alleles (0.00013%); highest among the groups gnomAD compares: South Asian, 0.0023%; no homozygotes.

Submission:

Labcorp Genetics (formerly Invitae), Labcorp
Classification: Uncertain significance for Neuroblastoma, susceptibility to, 3. Last evaluated: 2023-07-17. Review status: criteria provided, single submitter. Criteria: Invitae Variant Classification Sherloc (09022015). Collection method: clinical testing. Allele origin: germline.
Comment: In summary, the available evidence is currently insufficient to determine the role of this variant in disease. Therefore, it has been classified as a Variant of Uncertain Significance. An algorithm developed to predict the effect of missense changes on protein structure and function (PolyPhen-2) suggests that this variant is likely to be tolerated. ClinVar contains an entry for this variant (Variation ID: 1042219). This variant has not been reported in the literature in individuals affected with ALK-related conditions. This variant is not present in population databases (gnomAD no frequency). This sequence change replaces alanine, which is neutral and non-polar, with valine, which is neutral and non-polar, at codon 92 of the ALK protein (p.Ala92Val).

NM_004304.5(ALK):c.275C>T (p.Ala92Val)

Gene: ALK (ALK receptor tyrosine kinase; minus strand). Cytogenetic location: 2p23.1.
Variant type: single nucleotide variant.
Coding change: c.275C>T on transcript NM_004304.5 (MANE Select); coding-DNA position 275, C replaced by T.
Protein change: p.Ala92Val; replaces alanine 92 with valine.
Molecular consequence: missense variant.
Genome position (GRCh38, 1-based): chr2:29,920,385, G>A on the plus strand (C>T on the coding strand, the complement: ALK is on the minus strand). VCF-style: chr2-29920385-G-A. GRCh37 (hg19) VCF-style: chr2-30143251-G-A.
Other names: short protein forms A92V.
Identifiers: ClinVar variation 1042219 (VCV001042219.8), dbSNP rs1667961757, ClinGen allele CA346590352.
Genomic context (GRCh38, chr2:29,920,385, plus strand): 5'-GCGGTCCAGGAGACCCCCGGCGCCGGCCCCAGCAACCTGAGCAGCGGGGCGCAGTCCAGA[G>A]CTAGCGAGCCGCGGGCCTCGGGCCTGCCAGCCTTCAGCTCCGAGGAGGATGGTGGCAGCA-3'
Protein context (NP_004295.2, residues 82-102): AGRPEARGSL[Ala92Val]LDCAPLLRLL